The following is an entry in ClinVar:

NM_020975.6(RET):c.1408A>G (p.Thr470Ala)

Gene: RET (ret proto-oncogene; plus strand). Cytogenetic location: 10q11.21.
Variant type: single nucleotide variant.
Coding change: c.1408A>G on transcript NM_020975.6 (MANE Select); coding-DNA position 1408, A replaced by G.
Protein change: p.Thr470Ala; replaces threonine 470 with alanine.
Molecular consequence: missense variant.
Genome position (GRCh38, 1-based): chr10:43,111,351, A>G. VCF-style: chr10-43111351-A-G. GRCh37 (hg19) VCF-style: chr10-43606799-A-G.
Other names: c.1408A>G, p.Thr470Ala (NM_000323.2, NM_001406743.1, NM_001406744.1 and 6 more transcripts); c.646A>G, p.Thr216Ala (NM_001355216.2); c.1279A>G, p.Thr427Ala (NM_001406761.1, NM_001406762.1, NM_001406764.1 and 1 more transcripts); c.1120A>G, p.Thr374Ala (NM_001406766.1, NM_001406767.1, NM_001406770.1); c.1012A>G, p.Thr338Ala (NM_001406769.1, NM_001406772.1); c.970A>G, p.Thr324Ala (NM_001406771.1, NM_001406773.1); c.883A>G, p.Thr295Ala (NM_001406774.1); c.682A>G, p.Thr228Ala (NM_001406775.1, NM_001406776.1, NM_001406777.1 and 1 more transcripts); and 1 more; short protein forms T374A, T216A, T228A, T295A, T324A, T338A, T140A, T427A.
Identifiers: ClinVar variation 1771950 (VCV001771950.5), dbSNP rs2132771050, ClinGen allele CA376549460.

ClinVar aggregate classification (germline): Uncertain significance. Review status: criteria provided, multiple submitters, no conflicts (2 of 4 stars). 2 submissions from 2 submitters: Uncertain significance (2). Last evaluated 2023-05-16.

Conditions:
Hereditary cancer-predisposing syndrome. Also called: Hereditary Cancer Syndrome; Hereditary neoplastic syndrome; Neoplastic Syndromes, Hereditary; Tumor predisposition. Identifiers: Orphanet 140162, MedGen C0027672, MeSH D009386, MONDO:0015356.
Multiple endocrine neoplasia, type 2 (MEN2). Identifiers: Orphanet 653, MedGen C4048306, MONDO:0019003. Disease mechanism: gain of function.

Submissions (2):

Labcorp Genetics (formerly Invitae), Labcorp
Classification: Uncertain significance for Multiple endocrine neoplasia, type 2. Last evaluated: 2023-05-16. Review status: criteria provided, single submitter. Criteria: Invitae Variant Classification Sherloc (09022015). Collection method: clinical testing. Allele origin: germline.
Comment: This variant is not present in population databases (gnomAD no frequency). In summary, the available evidence is currently insufficient to determine the role of this variant in disease. Therefore, it has been classified as a Variant of Uncertain Significance. Algorithms developed to predict the effect of missense changes on protein structure and function output the following: SIFT: "Not Available"; PolyPhen-2: "Benign"; Align-GVGD: "Not Available". The alanine amino acid residue is found in multiple mammalian species, which suggests that this missense change does not adversely affect protein function. ClinVar contains an entry for this variant (Variation ID: 1771950). This variant has not been reported in the literature in individuals affected with RET-related conditions. This sequence change replaces threonine, which is neutral and polar, with alanine, which is neutral and non-polar, at codon 470 of the RET protein (p.Thr470Ala).

Ambry Genetics
Classification: Uncertain significance for Hereditary cancer-predisposing syndrome. Last evaluated: 2022-09-23. Review status: criteria provided, single submitter. Criteria: Ambry Variant Classification Scheme 2023. Collection method: clinical testing. Allele origin: germline.
Comment: The p.T470A variant (also known as c.1408A>G), located in coding exon 7 of the RET gene, results from an A to G substitution at nucleotide position 1408. The threonine at codon 470 is replaced by alanine, an amino acid with similar properties. This amino acid position is conserved. In addition, this alteration is predicted to be tolerated by in silico analysis. Since supporting evidence is limited at this time, the clinical significance of this alteration remains unclear.